The following is an entry in ClinVar:

NM_000059.4(BRCA2):c.8954-1G>C

Gene: BRCA2 (BRCA2 DNA repair associated; plus strand). Cytogenetic location: 13q13.1.
Variant type: single nucleotide variant.
Coding change: c.8954-1G>C on transcript NM_000059.4 (MANE Select); the canonical splice acceptor site of the intron before coding-DNA position 8954, G replaced by C.
Molecular consequence: splice acceptor variant. On other transcripts: intron variant (1).
Genome position (GRCh38, 1-based): chr13:32,379,749, G>C. VCF-style: chr13-32379749-G-C. GRCh37 (hg19) VCF-style: chr13-32953886-G-C.
Other names: c.8954-52G>C (NM_001406720.1); c.8858-1G>C (NM_001406719.1); c.4022-1G>C (NM_001406721.1); c.2537-1G>C (NM_001406722.1); c.8954-1G>C (NM_000059.3).
Identifiers: ClinVar variation 4532841 (VCV004532841.1).
Genomic context (GRCh38, chr13:32,379,749, plus strand): 5'-AACAAACATTTAAATGATAATCACTTCTTCCATTGCATCTTTCTCATCTTTCTCCAAACA[G>C]TTATACTGAGTATTTGGCGTCCATCATCAGATTTATATTCTCTGTTAACAGAAGGAAAGA-3'

ClinVar aggregate classification (germline): Pathogenic (1 of 4 stars; one submission).

Submission:

Quest Diagnostics Nichols Institute San Juan Capistrano
Classification: Pathogenic. Last evaluated: 2025-10-09. Review status: criteria provided, single submitter. Criteria: Quest Diagnostics criteria. Collection method: clinical testing. Allele origin: unknown.
Comment: The BRCA2 c.8954-1G>C variant disrupts a canonical splice-acceptor site and is predicted to result in out-of-frame exon skipping in the BRCA2 gene. This variant has been reported in individuals with ovarian cancer in the published literature (PMIDs: 39550490 (2024), 30972954 (2019)). This variant has not been reported in large, multi-ethnic general populations (Genome Aggregation Database). Based on the available information, this variant is classified as pathogenic.

Literature cited by the submitters: PubMed 30972954; PubMed 39550490.